The following is an entry in ClinVar:

NM_020964.3(EPG5):c.3167C>T (p.Thr1056Ile)

Gene: EPG5 (ectopic P-granules 5 autophagy tethering factor; minus strand). Cytogenetic location: 18q21.1.
Variant type: single nucleotide variant.
Coding change: c.3167C>T on transcript NM_020964.3 (MANE Select); coding-DNA position 3167, C replaced by T.
Protein change: p.Thr1056Ile; replaces threonine 1056 with isoleucine.
Molecular consequence: missense variant.
Genome position (GRCh38, 1-based): chr18:45,917,751, G>A on the plus strand (C>T on the coding strand, the complement: EPG5 is on the minus strand). VCF-style: chr18-45917751-G-A. GRCh37 (hg19) VCF-style: chr18-43497716-G-A.
Other names: c.3167C>T, p.Thr1056Ile (LRG_1234t1); short protein forms T1056I.
Identifiers: ClinVar variation 662150 (VCV000662150.7), dbSNP rs144908324, ClinGen allele CA8949250.
Genomic context (GRCh38, chr18:45,917,751, plus strand): 5'-AGAAGGTAATACTGGCAAGGGTAAAATAAAGGCAGAATCTTATCCAGGACATGAACCACT[G>A]TTCTCAAATGTCTTGACTGGACCAGAATTCCCAATAGTGGGATGCCTTCTGCACAGAACT-3'
Protein context (NP_066015.2, residues 1046-1066): GILVQSRHLR[Thr1056Ile]VVHVLDKILP

ClinVar aggregate classification (germline): Uncertain significance. Review status: criteria provided, multiple submitters, no conflicts (2 of 4 stars). 2 submissions from 2 submitters: Uncertain significance (2). Last evaluated 2022-11-17.

Conditions:
Vici syndrome (VICIS). Identifiers: Orphanet 1493, MedGen C1855772, MONDO:0009452, OMIM 242840.

Allele frequency attached by ClinVar (database versions not stated): TOPMed below 0.00001; gnomAD 0.00001 and 0.00002; gnomAD exomes 0.00001 and 0.00002; ExAC 0.00002; 1000 Genomes Project 30x 0.00016; 1000 Genomes Project 0.00020.
gnomAD v4.1: 18 of 1,614,038 alleles (0.0011%); highest among the groups gnomAD compares: Non-Finnish European, 0.0015%; no homozygotes.

Submissions (2):

GeneDx
Classification: Uncertain significance. Last evaluated: 2022-11-17. Review status: criteria provided, single submitter. Criteria: GeneDx Variant Classification Process June 2021. Collection method: clinical testing. Allele origin: germline. Affected: yes.
Comment: Not observed at significant frequency in large population cohorts (gnomAD); In silico analysis supports that this missense variant does not alter protein structure/function; Has not been previously published as pathogenic or benign to our knowledge

Labcorp Genetics (formerly Invitae), Labcorp
Classification: Uncertain significance for Vici syndrome. Last evaluated: 2022-06-26. Review status: criteria provided, single submitter. Criteria: Invitae Variant Classification Sherloc (09022015). Collection method: clinical testing. Allele origin: germline.
Comment: This sequence change replaces threonine, which is neutral and polar, with isoleucine, which is neutral and non-polar, at codon 1056 of the EPG5 protein (p.Thr1056Ile). This variant is present in population databases (rs144908324, gnomAD 0.006%). This variant has not been reported in the literature in individuals affected with EPG5-related conditions. ClinVar contains an entry for this variant (Variation ID: 662150). Algorithms developed to predict the effect of missense changes on protein structure and function are either unavailable or do not agree on the potential impact of this missense change (SIFT: "Deleterious"; PolyPhen-2: "Benign"; Align-GVGD: "Class C0"). In summary, the available evidence is currently insufficient to determine the role of this variant in disease. Therefore, it has been classified as a Variant of Uncertain Significance.